The following is an entry in ClinVar:

ClinVar aggregate classification (germline): Uncertain significance (1 of 4 stars; one submission).

Conditions:
DICER1-related tumor predisposition. Also called: DICER1-related pleuropulmonary blastoma cancer predisposition syndrome; DICER1 syndrome. Identifiers: Orphanet 284343, MedGen C3839822, MONDO:0100216.

Submission:

Labcorp Genetics (formerly Invitae), Labcorp
Classification: Uncertain significance for DICER1-related tumor predisposition. Last evaluated: 2019-08-07. Review status: criteria provided, single submitter. Criteria: Invitae Variant Classification Sherloc (09022015). Collection method: clinical testing. Allele origin: germline.
Comment: In summary, the available evidence is currently insufficient to determine the role of this variant in disease. Therefore, it has been classified as a Variant of Uncertain Significance. Algorithms developed to predict the effect of missense changes on protein structure and function (SIFT, PolyPhen-2, Align-GVGD) all suggest that this variant is likely to be tolerated, but these predictions have not been confirmed by published functional studies and their clinical significance is uncertain. This variant has not been reported in the literature in individuals with DICER1-related conditions. This variant is not present in population databases (ExAC no frequency). This sequence change replaces lysine with glutamic acid at codon 1363 of the DICER1 protein (p.Lys1363Glu). The lysine residue is highly conserved and there is a small physicochemical difference between lysine and glutamic acid.

NM_177438.3(DICER1):c.4087A>G (p.Lys1363Glu)

Gene: DICER1 (dicer 1, ribonuclease III; minus strand). Cytogenetic location: 14q32.13.
Variant type: single nucleotide variant.
Coding change: c.4087A>G on transcript NM_177438.3 (MANE Select); coding-DNA position 4087, A replaced by G.
Protein change: p.Lys1363Glu; replaces lysine 1363 with glutamic acid.
Molecular consequence: missense variant.
Genome position (GRCh38, 1-based): chr14:95,099,899, T>C on the plus strand (A>G on the coding strand, the complement: DICER1 is on the minus strand). VCF-style: chr14-95099899-T-C. GRCh37 (hg19) VCF-style: chr14-95566236-T-C.
Other names: c.4087A>G, p.Lys1363Glu (NM_001195573.1, NM_001271282.3, NM_001291628.2 and 1 more transcripts); short protein forms K1363E.
Identifiers: ClinVar variation 933411 (VCV000933411.11), dbSNP rs1890725339, ClinGen allele CA390872192.